The following is an entry in ClinVar:

ClinVar aggregate classification (germline): Uncertain significance (1 of 4 stars; one submission).

gnomAD v4.1: 22 of 1,603,206 alleles (0.0014%); highest among the groups gnomAD compares: East Asian, 0.0022%; no homozygotes.

Submission:

Labcorp Genetics (formerly Invitae), Labcorp
Classification: Uncertain significance. Last evaluated: 2022-07-19. Review status: criteria provided, single submitter. Criteria: Invitae Variant Classification Sherloc (09022015). Collection method: clinical testing. Allele origin: germline.
Comment: In summary, the available evidence is currently insufficient to determine the role of this variant in disease. Therefore, it has been classified as a Variant of Uncertain Significance. Advanced modeling of protein sequence and biophysical properties (such as structural, functional, and spatial information, amino acid conservation, physicochemical variation, residue mobility, and thermodynamic stability) performed at Invitae indicates that this missense variant is not expected to disrupt CABP4 protein function. This variant has not been reported in the literature in individuals affected with CABP4-related conditions. This variant is present in population databases (rs766418692, gnomAD 0.02%). This sequence change replaces proline, which is neutral and non-polar, with arginine, which is basic and polar, at codon 36 of the CABP4 protein (p.Pro36Arg).

NM_145200.5(CABP4):c.107C>G (p.Pro36Arg)

Gene: CABP4 (calcium binding protein 4; plus strand). Cytogenetic location: 11q13.2.
Variant type: single nucleotide variant.
Coding change: c.107C>G on transcript NM_145200.5 (MANE Select); coding-DNA position 107, C replaced by G.
Protein change: p.Pro36Arg; replaces proline 36 with arginine.
Molecular consequence: missense variant. On other transcripts: 5 prime UTR variant (2), non-coding transcript variant (1), intron variant (1).
Genome position (GRCh38, 1-based): chr11:67,455,530, C>G. VCF-style: chr11-67455530-C-G. GRCh37 (hg19) VCF-style: chr11-67223001-C-G.
Other names: c.-277C>G (NM_001300895.3); c.-291C>G (NM_001379183.1); c.-112-179C>G (NM_001300896.3); short protein forms P36R.
Identifiers: ClinVar variation 1425952 (VCV001425952.8), dbSNP rs766418692, ClinGen allele CA6140068.